The following is an entry in ClinVar:

NM_007294.4(BRCA1):c.5250del (p.Lys1750fs)

Gene: BRCA1 (BRCA1 DNA repair associated; minus strand). Cytogenetic location: 17q21.31.
Variant type: Deletion.
Coding change: c.5250del on transcript NM_007294.4 (MANE Select); coding-DNA position 5250, one base deleted (G; older notation c.5250delG).
Protein change: p.Lys1750fs; shifts the reading frame from lysine 1750.
Molecular consequence: frameshift variant. On other transcripts: non-coding transcript variant (1).
Genome position (GRCh38, 1-based): chr17:43,057,079, C deleted on the plus strand (G on the coding strand, the reverse complement: BRCA1 is on the minus strand). VCF-style (leftmost placement, unchanged base first): chr17-43057078-GC-G. GRCh37 (hg19) VCF-style: chr17-41209095-GC-G.
Other names: c.5247delG, p.Lys1749Asnfs (NM_001407610.1, NM_001407611.1, NM_001407612.1 and 17 more transcripts); c.1797delG, p.Lys599Asnfs (NM_001408464.1, NM_001408465.1, NM_001408466.1 and 7 more transcripts); c.1794delG, p.Lys598Asnfs (NM_001408468.1, NM_001408470.1, NM_001408469.1); c.1938delG, p.Lys646Asnfs (NM_001408472.1, NM_001407979.1, NM_001407980.1 and 12 more transcripts); c.5037delG, p.Lys1679Asnfs (NM_001407571.1, NM_001407894.1, NM_001407895.1 and 12 more transcripts); c.5316delG, p.Lys1772Asnfs (NM_001407581.1, NM_001407582.1); c.5313delG, p.Lys1771Asnfs (NM_001407583.1, NM_001407585.1, NM_001407587.1); c.5310delG, p.Lys1770Asnfs (NM_001407590.1, NM_001407591.1); and 75 more; short protein forms K646fs, K1750fs, K1771fs, K1703fs.
Identifiers: ClinVar variation 479226 (VCV000479226.14), dbSNP rs1555576868, ClinGen allele CA658656659.
Genomic context (GRCh38, chr17:43,057,078, plus strand): 5'-GAGATTTTTGTCAACTTGAGGGAGGGAGCTTTACCTTTCTGTCCTGGGATTCTCTTGCTC[GC>G]TTTGGACCTTGGTGGTTTCTTCCATTGACCACATCTCCTCTGACTTCAAAATCATGCTGA-3'

ClinVar aggregate classification (germline): Pathogenic. Review status: criteria provided, multiple submitters, no conflicts (2 of 4 stars). 2 submissions from 2 submitters: Pathogenic (2). Last evaluated 2019-04-08.

Conditions:
Hereditary breast ovarian cancer syndrome. Also called: Hereditary breast and ovarian cancer syndrome (HBOC); Hereditary breast and ovarian cancer syndrome; Breast and ovarian cancer; BRCA1- and BRCA2-Associated Hereditary Breast and Ovarian Cancer; Hereditary breast and ovarian cancer; Hereditary breast and/or ovarian cancer syndrome. Identifiers: Orphanet 145, MedGen C0677776, MeSH D061325, MONDO:0003582. Disease mechanism: loss of function.
Hereditary cancer-predisposing syndrome. Also called: Neoplastic Syndromes, Hereditary; Hereditary Cancer Syndrome; Hereditary neoplastic syndrome; Tumor predisposition. Identifiers: Orphanet 140162, MedGen C0027672, MeSH D009386, MONDO:0015356.

Submissions (2):

Labcorp Genetics (formerly Invitae), Labcorp
Classification: Pathogenic for Hereditary breast ovarian cancer syndrome. Last evaluated: 2019-04-08. Review status: criteria provided, single submitter. Criteria: Invitae Variant Classification Sherloc (09022015). Collection method: clinical testing. Allele origin: germline.
Comment: For these reasons, this variant has been classified as Pathogenic. Loss-of-function variants in BRCA1 are known to be pathogenic (PMID: 20104584). This variant has not been reported in the literature in individuals with BRCA1-related conditions. ClinVar contains an entry for this variant (Variation ID: 479226). This variant is not present in population databases (ExAC no frequency). This sequence change creates a premature translational stop signal (p.Lys1750Asnfs*15) in the BRCA1 gene. It is expected to result in an absent or disrupted protein product.

Ambry Genetics
Classification: Pathogenic for Hereditary cancer-predisposing syndrome. Last evaluated: 2019-04-05. Review status: criteria provided, single submitter. Criteria: Ambry Variant Classification Scheme 2023. Collection method: clinical testing. Allele origin: germline.
Comment: The c.5250delG pathogenic mutation, located in coding exon 18 of the BRCA1 gene, results from a deletion of one nucleotide at nucleotide position 5250, causing a translational frameshift with a predicted alternate stop codon (p.K1750Nfs*15). This alteration is expected to result in loss of function by premature protein truncation or nonsense-mediated mRNA decay. As such, this alteration is interpreted as a disease-causing mutation.

Literature cited by the submitters: PubMed 20104584 (cited by Labcorp Genetics (formerly Invitae), Labcorp).